The following is an entry in ClinVar:

ClinVar aggregate classification (germline): Likely benign (0 of 4 stars; one submission).

Conditions:
ADGRE2-related disorder. Also called: ADGRE2-related condition.

Allele frequency attached by ClinVar (database versions not stated): gnomAD 0.00005; ExAC 0.00006.

Submission:

PreventionGenetics, part of Exact Sciences
Classification: Likely benign for ADGRE2-related condition. Last evaluated: 2019-06-24. Review status: no assertion criteria provided. Collection method: clinical testing. Allele origin: germline.
Comment: This variant is classified as likely benign based on ACMG/AMP sequence variant interpretation guidelines (Richards et al. 2015 PMID: 25741868, with internal and published modifications).

NM_013447.4(ADGRE2):c.807G>A (p.Pro269=)

Gene: ADGRE2 (adhesion G protein-coupled receptor E2; minus strand). Cytogenetic location: 19p13.12.
Variant type: single nucleotide variant.
Coding change: c.807G>A on transcript NM_013447.4 (MANE Select); coding-DNA position 807, G replaced by A.
Protein change: p.Pro269=; no amino-acid change (proline 269 retained).
Molecular consequence: synonymous variant.
Genome position (GRCh38, 1-based): chr19:14,765,545, C>T on the plus strand (G>A on the coding strand, the complement: ADGRE2 is on the minus strand). VCF-style: chr19-14765545-C-T. GRCh37 (hg19) VCF-style: chr19-14876357-C-T.
Other names: c.807G>A, p.Pro269= (NM_001271052.1); c.660G>A, p.Pro220= (NM_152916.2); c.528G>A, p.Pro176= (NM_152917.2).
Identifiers: ClinVar variation 3042606 (VCV003042606.2), dbSNP rs753945705, ClinGen allele CA9257921.